The following is an entry in ClinVar:

ClinVar aggregate classification (germline): Uncertain significance. Review status: criteria provided, multiple submitters, no conflicts (2 of 4 stars). 4 submissions from 4 submitters: Uncertain significance (4). Last evaluated 2025-07-09.

Conditions:
Familial thoracic aortic aneurysm and aortic dissection (TAAD). Also called: Thoracic aortic aneurysms and dissections. Identifiers: Orphanet 91387, MedGen C4707243, MONDO:0019625.
Ehlers-Danlos syndrome, type 4 (EDSVASC). Also called: Ehlers-Danlos Syndrome Type IV; Ehlers-Danlos syndrome vascular type; Ehlers Danlos syndrome, ecchymotic type; Ehlers Danlos syndrome, arterial type; Ehlers Danlos syndrome, Sack-Barabas type. Identifiers: Orphanet 286, MedGen C0268338, MONDO:0017314, OMIM 130050.

Allele frequency attached by ClinVar (database versions not stated): gnomAD 0.00001.
gnomAD v4.1: 2 of 1,612,866 alleles (0.00012%); highest among the groups gnomAD compares: Admixed American, 0.0017%; no homozygotes.

Submissions (4):

Ambry Genetics
Classification: Uncertain significance for Familial thoracic aortic aneurysm and aortic dissection. Last evaluated: 2025-07-09. Review status: criteria provided, single submitter. Criteria: Ambry Variant Classification Scheme 2023. Collection method: clinical testing. Allele origin: germline.
Comment: The p.Q1088E variant (also known as c.3262C>G), located in coding exon 45 of the COL3A1 gene, results from a C to G substitution at nucleotide position 3262. The glutamine at codon 1088 is replaced by glutamic acid, an amino acid with highly similar properties. This amino acid position is well conserved in available vertebrate species. In addition, the in silico prediction for this alteration is inconclusive. Based on the available evidence, the clinical significance of this variant remains unclear.

Color Diagnostics, LLC DBA Color Health
Classification: Uncertain significance for Familial thoracic aortic aneurysm and aortic dissection. Last evaluated: 2024-03-06. Review status: criteria provided, single submitter. Criteria: ACMG Guidelines, 2015. Collection method: clinical testing. Allele origin: germline.
Comment: This missense variant replaces glutamine with glutamic acid at codon 1088 of the COL3A1 protein. Computational prediction suggests that this variant may not impact protein structure and function (internally defined REVEL score threshold <= 0.5, PMID: 27666373). To our knowledge, functional studies have not been reported for this variant. This variant has not been reported in individuals affected with COL3A1-related disorders in the literature. This variant has been identified in 1/31370 chromosomes in the general population by the Genome Aggregation Database (gnomAD). The available evidence is insufficient to determine the role of this variant in disease conclusively. Therefore, this variant is classified as a Variant of Uncertain Significance.

All of Us Research Program, National Institutes of Health
Classification: Uncertain significance for Ehlers-Danlos syndrome, type 4. Last evaluated: 2023-04-03. Review status: criteria provided, single submitter. Criteria: ACMG Guidelines, 2015. Collection method: clinical testing. Allele origin: germline. Inheritance: Autosomal dominant inheritance. Observed: 1 variant allele, 1 heterozygote.
Comment: This missense variant replaces glutamine with glutamic acid at codon 1088 of the COL3A1 protein. Computational prediction suggests that this variant may not impact protein structure and function (internally defined REVEL score threshold <= 0.5, PMID: 27666373). To our knowledge, functional studies have not been reported for this variant. This variant has not been reported in individuals affected with cardiovascular disorders in the literature. This variant has been identified in 1/31370 chromosomes in the general population by the Genome Aggregation Database (gnomAD). The available evidence is insufficient to determine the role of this variant in disease conclusively. Therefore, this variant is classified as a Variant of Uncertain Significance.

This study involves interpretation of variants in research participants for the purpose of population health screening. Participant phenotype was not available at the time of variant classification. Additional details can be found in publication PMID: 35346344, PMCID: PMC8962531

Labcorp Genetics (formerly Invitae), Labcorp
Classification: Uncertain significance for Ehlers-Danlos syndrome, type 4. Last evaluated: 2020-01-03. Review status: criteria provided, single submitter. Criteria: Invitae Variant Classification Sherloc (09022015). Collection method: clinical testing. Allele origin: germline.
Comment: This variant is not present in population databases (ExAC no frequency). This sequence change replaces glutamine with glutamic acid at codon 1088 of the COL3A1 protein (p.Gln1088Glu). The glutamine residue is highly conserved and there is a small physicochemical difference between glutamine and glutamic acid. This variant has not been reported in the literature in individuals with COL3A1-related disease. In summary, the available evidence is currently insufficient to determine the role of this variant in disease. Therefore, it has been classified as a Variant of Uncertain Significance. Algorithms developed to predict the effect of missense changes on protein structure and function do not agree on the potential impact of this missense change (SIFT: "Deleterious"; PolyPhen-2: "Probably Damaging"; Align-GVGD: "Class C0").

NM_000090.4(COL3A1):c.3262C>G (p.Gln1088Glu)

Gene: COL3A1 (collagen type III alpha 1 chain; plus strand). Cytogenetic location: 2q32.2.
Variant type: single nucleotide variant.
Coding change: c.3262C>G on transcript NM_000090.4 (MANE Select); coding-DNA position 3262, C replaced by G.
Protein change: p.Gln1088Glu; replaces glutamine 1088 with glutamic acid.
Molecular consequence: missense variant.
Genome position (GRCh38, 1-based): chr2:189,007,506, C>G. VCF-style: chr2-189007506-C-G. GRCh37 (hg19) VCF-style: chr2-189872232-C-G.
Other names: short protein forms Q1088E.
Identifiers: ClinVar variation 844333 (VCV000844333.17), dbSNP rs1328301317, ClinGen allele CA349845550.
Genomic context (GRCh38, chr2:189,007,506, plus strand): 5'-TTTTTCCAATATGTATGTGTGTATATGACTTCAATTCAAAATATGTTTCTAAAGGGTCCT[C>G]AAGGCCCACGTGGTGACAAAGGTGAAACAGGTGAACGTGGAGCTGCTGGCATCAAAGGAC-3'
Protein context (NP_000081.2, residues 1078-1098): PAGSRGAPGP[Gln1088Glu]GPRGDKGETG